The following is an entry in ClinVar:

ClinVar aggregate classification (germline): Uncertain significance (0 of 4 stars; one submission).

Conditions:
TUBB4A-related disorder. Also called: TUBB4A-related condition.

Allele frequency attached by ClinVar (database versions not stated): gnomAD 0.00001.
gnomAD v4.1: 11 of 1,341,754 alleles (0.00082%); highest among the groups gnomAD compares: East Asian, 0.0089%; no homozygotes.

Submission:

PreventionGenetics, part of Exact Sciences
Classification: Uncertain significance for TUBB4A-related condition. Last evaluated: 2023-12-05. Review status: no assertion criteria provided. Collection method: clinical testing. Allele origin: germline.
Comment: The TUBB4A c.56C>A variant is predicted to result in the amino acid substitution p.Pro19Gln. In an alternate transcript (NM_001289127) this variant is designated as c.38C>A (p.Pro13Gln). This variant was reported in a patient with spasmodic dysphonia and generalized dystonia (Supplemental Table S3 in Wu et al. 2022. PubMed ID: 35041927). This variant has not been reported in a large population database, indicating this variant is rare. At this time, the clinical significance of this variant is uncertain due to the absence of conclusive functional and genetic evidence.

NM_001289123.2(TUBB4A):c.56C>A (p.Pro19Gln)

Genes: TUBB4A (tubulin beta 4A class IVa; minus strand), LOC130063296 (ATAC-STARR-seq lymphoblastoid silent region 9956; plus strand). Cytogenetic location: 19p13.3.
Variant type: single nucleotide variant.
Coding change: c.56C>A on transcript NM_001289123.2; coding-DNA position 56, C replaced by A.
Protein change: p.Pro19Gln; replaces proline 19 with glutamine.
Molecular consequence: missense variant. On other transcripts: intron variant (1).
Genome position (GRCh38, 1-based): chr19:6,502,310, G>T on the plus strand (C>A on the coding strand, the complement: TUBB4A is on the minus strand). VCF-style: chr19-6502310-G-T. GRCh37 (hg19) VCF-style: chr19-6502321-G-T.
Other names: c.38C>A, p.Pro13Gln (NM_001289127.2); c.-50-48C>A (NM_001289129.2); short protein forms P13Q, P19Q.
Identifiers: ClinVar variation 2636667 (VCV002636667.3), dbSNP rs1314837146, ClinGen allele CA403595799.